The following is an entry in ClinVar:

NM_005228.5(EGFR):c.1390T>A (p.Ser464Thr)

Gene: EGFR (epidermal growth factor receptor; plus strand). Cytogenetic location: 7p11.2.
Variant type: single nucleotide variant.
Coding change: c.1390T>A on transcript NM_005228.5 (MANE Select); coding-DNA position 1390, T replaced by A.
Protein change: p.Ser464Thr; replaces serine 464 with threonine.
Molecular consequence: missense variant.
Genome position (GRCh38, 1-based): chr7:55,160,230, T>A. VCF-style: chr7-55160230-T-A. GRCh37 (hg19) VCF-style: chr7-55227923-T-A.
Other names: c.1255T>A, p.Ser419Thr (NM_001346897.2, NM_001346899.2); c.1390T>A, p.Ser464Thr (NM_001346898.2, NM_201282.2, NM_201284.2); c.1231T>A, p.Ser411Thr (NM_001346900.2); c.589T>A, p.Ser197Thr (NM_001346941.2); short protein forms S197T, S411T, S419T, S464T.
Identifiers: ClinVar variation 854970 (VCV000854970.8), dbSNP rs746763556, ClinGen allele CA4265568.

ClinVar aggregate classification (germline): Uncertain significance. Review status: criteria provided, multiple submitters, no conflicts (2 of 4 stars). 2 submissions from 2 submitters: Uncertain significance (2). Last evaluated 2026-02-02.

Conditions:
EGFR-related lung cancer (EGFR). Identifiers: MedGen CN130014.
Hereditary cancer-predisposing syndrome. Also called: Neoplastic Syndromes, Hereditary; Hereditary Cancer Syndrome; Tumor predisposition; Hereditary neoplastic syndrome. Identifiers: Orphanet 140162, MedGen C0027672, MeSH D009386, MONDO:0015356.

Allele frequency attached by ClinVar (database versions not stated): gnomAD 0.00002; TOPMed 0.00002; gnomAD exomes 0.00008.
gnomAD v4.1: 117 of 1,614,052 alleles (0.0072%); highest among the groups gnomAD compares: Non-Finnish European, 0.0098%; no homozygotes.

Submissions (2):

Labcorp Genetics (formerly Invitae), Labcorp
Classification: Uncertain significance for EGFR-related lung cancer. Last evaluated: 2026-02-02. Review status: criteria provided, single submitter. Criteria: Invitae Variant Classification Sherloc (09022015). Collection method: clinical testing. Allele origin: germline.
Comment: This sequence change replaces serine, which is neutral and polar, with threonine, which is neutral and polar, at codon 464 of the EGFR protein (p.Ser464Thr). This variant is present in population databases (rs746763556, gnomAD 0.004%). This variant has not been reported in the literature in individuals affected with EGFR-related conditions. ClinVar contains an entry for this variant (Variation ID: 854970). Invitae Evidence Modeling of protein sequence and biophysical properties (such as structural, functional, and spatial information, amino acid conservation, physicochemical variation, residue mobility, and thermodynamic stability) indicates that this missense variant is not expected to disrupt EGFR protein function with a negative predictive value of 80%. In summary, the available evidence is currently insufficient to determine the role of this variant in disease. Therefore, it has been classified as a Variant of Uncertain Significance.

Ambry Genetics
Classification: Uncertain significance for Hereditary cancer-predisposing syndrome. Last evaluated: 2024-12-24. Review status: criteria provided, single submitter. Criteria: Ambry Variant Classification Scheme 2023. Collection method: clinical testing. Allele origin: germline.
Comment: The p.S464T variant (also known as c.1390T>A), located in coding exon 12 of the EGFR gene, results from a T to A substitution at nucleotide position 1390. The serine at codon 464 is replaced by threonine, an amino acid with similar properties. This amino acid position is not well conserved in available vertebrate species. In addition, this alteration is predicted to be tolerated by in silico analysis. Based on the available evidence, the clinical significance of this variant remains unclear.